The following is an entry in ClinVar:

NM_000890.5(KCNJ5):c.1159G>C (p.Gly387Arg)

Gene: KCNJ5 (potassium inwardly rectifying channel subfamily J member 5; plus strand). Cytogenetic location: 11q24.3.
Variant type: single nucleotide variant.
Coding change: c.1159G>C on transcript NM_000890.5 (MANE Select); coding-DNA position 1159, G replaced by C.
Protein change: p.Gly387Arg; replaces glycine 387 with arginine.
Molecular consequence: missense variant.
Genome position (GRCh38, 1-based): chr11:128,916,630, G>C. VCF-style: chr11-128916630-G-C. GRCh37 (hg19) VCF-style: chr11-128786525-G-C.
Other names: c.1159G>C, p.Gly387Arg (LRG_333t1, NM_001354169.2); short protein forms G387R.
Identifiers: ClinVar variation 8856 (VCV000008856.18), dbSNP rs199830292, ClinGen allele CA254574.

ClinVar aggregate classification (germline): Benign/Likely benign. Review status: criteria provided, multiple submitters, no conflicts (2 of 4 stars). 6 submissions from 6 submitters: Benign (1); Likely benign (2). 3 of the submissions do not count toward it. Last evaluated 2026-01-18.

Conditions:
Cardiovascular phenotype. Identifiers: MedGen CN230736.
Long QT syndrome (LQTS). Identifiers: MedGen C0023976, MeSH D008133, MONDO:0002442. Disease mechanism: loss of function. Inheritance: Various modes of inheritance.
Familial hyperaldosteronism type III. Also called: Familial hyperaldosteronism type 3; FH III. Identifiers: Orphanet 251274, MedGen C3838758, MONDO:0013359, OMIM 613677.
Andersen Tawil syndrome (LQT7). Also called: LONG QT SYNDROME 7; Andersen Syndrome; Potassium-sensitive periodic paralysis, ventricular ectopy, and dysmorphic features; PERIODIC PARALYSIS, POTASSIUM-SENSITIVE CARDIODYSRHYTHMIC TYPE; ANDERSEN CARDIODYSRHYTHMIC PERIODIC PARALYSIS. Identifiers: Orphanet 37553, MedGen C1563715, MONDO:0008222, OMIM 170390.
Long QT syndrome 13 (LQT13). Identifiers: Orphanet 101016, Orphanet 768, MedGen C3150733, MONDO:0013279, OMIM 613485.

Allele frequency attached by ClinVar (database versions not stated): gnomAD 0.00009 and 0.00008; TOPMed 0.00014; gnomAD exomes 0.00017 and 0.00006; 1000 Genomes Project 0.00020; ExAC 0.00014; 1000 Genomes Project 30x 0.00016.
gnomAD v4.1: 94 of 1,613,914 alleles (0.0058%); highest among the groups gnomAD compares: East Asian, 0.21%; no homozygotes.

Submissions (6):

Labcorp Genetics (formerly Invitae), Labcorp
Classification: Likely benign for Long QT syndrome. Last evaluated: 2026-01-18. Review status: criteria provided, single submitter. Criteria: Invitae Variant Classification Sherloc (09022015). Collection method: clinical testing. Allele origin: germline.

Ambry Genetics
Classification: Benign for Cardiovascular phenotype. Last evaluated: 2022-11-28. Review status: criteria provided, single submitter. Criteria: Ambry Variant Classification Scheme 2023. Collection method: clinical testing. Allele origin: germline.

Illumina Laboratory Services, Illumina
Classification: Likely benign for Familial hyperaldosteronism type III. Last evaluated: 2017-04-27. Review status: criteria provided, single submitter. Criteria: ICSL Variant Classification Criteria 13 December 2019. Collection method: clinical testing. Allele origin: germline.
Comment: This variant was observed as part of a predisposition screen in an ostensibly healthy population. A literature search was performed for the gene, cDNA change, and amino acid change (where applicable). No publications were found based on this search. Allele frequency data from public databases allowed determination this variant is unlikely to cause disease. Therefore, this variant is classified as likely benign.

GeneReviews
No classification provided. Condition: Andersen Tawil syndrome. Review status: no classification provided. Collection method: literature only. Allele origin: germline. Not counted in ClinVar's aggregate classification.

Soonchunhyang University Bucheon Hospital, Soonchunhyang University Medical Center
Classification: Likely pathogenic for Long QT syndrome 13. Last evaluated: 2016-03-18. Review status: flagged submission. Criteria: ACMG Guidelines, 2015. Collection method: reference population. Allele origin: germline. Observed: 1 variant allele. Not counted in ClinVar's aggregate classification.
ClinVar note: Reason: Older and outlier claim with insufficient supporting evidence

OMIM
Classification: Pathogenic for LONG QT SYNDROME 13. Last evaluated: 2014-03-25. Review status: flagged submission. Collection method: literature only. Allele origin: germline. Not counted in ClinVar's aggregate classification.
ClinVar note: Reason: Outlier claim with insufficient supporting evidence

Literature cited by the submitters: PubMed 20560207 (cited by 3 submitters); PubMed 25417227 (cited by Ambry Genetics); PubMed 30764634 (cited by Ambry Genetics); PubMed 31521807 (cited by Ambry Genetics); PubMed 24574546 (cited by GeneReviews and OMIM).